The following is an entry in ClinVar:

ClinVar aggregate classification (germline): Uncertain significance (1 of 4 stars; one submission).

Conditions:
Hereditary cancer-predisposing syndrome. Also called: Neoplastic Syndromes, Hereditary; Tumor predisposition; Hereditary Cancer Syndrome; Hereditary neoplastic syndrome. Identifiers: Orphanet 140162, MedGen C0027672, MeSH D009386, MONDO:0015356.

Submission:

Ambry Genetics
Classification: Uncertain significance for Hereditary cancer-predisposing syndrome. Last evaluated: 2024-10-21. Review status: criteria provided, single submitter. Criteria: Ambry Variant Classification Scheme 2023. Collection method: clinical testing. Allele origin: germline.
Comment: The p.I370N variant (also known as c.1109T>A), located in coding exon 6 of the PDGFRA gene, results from a T to A substitution at nucleotide position 1109. The isoleucine at codon 370 is replaced by asparagine, an amino acid with dissimilar properties. This amino acid position is conserved. In addition, this alteration is predicted to be tolerated by in silico analysis. Based on the available evidence, the clinical significance of this variant remains unclear.

NM_006206.6(PDGFRA):c.1109T>A (p.Ile370Asn)

Gene: PDGFRA (platelet derived growth factor receptor alpha; plus strand). Cytogenetic location: 4q12.
Variant type: single nucleotide variant.
Coding change: c.1109T>A on transcript NM_006206.6 (MANE Select); coding-DNA position 1109, T replaced by A.
Protein change: p.Ile370Asn; replaces isoleucine 370 with asparagine.
Molecular consequence: missense variant.
Genome position (GRCh38, 1-based): chr4:54,267,729, T>A. VCF-style: chr4-54267729-T-A. GRCh37 (hg19) VCF-style: chr4-55133896-T-A.
Other names: c.1109T>A, p.Ile370Asn (NM_001347827.2, NM_001347829.2); c.1184T>A, p.Ile395Asn (NM_001347828.2); c.1148T>A, p.Ile383Asn (NM_001347830.2); short protein forms I383N, I370N, I395N.
Identifiers: ClinVar variation 3416434 (VCV003416434.1).